The following is an entry in ClinVar:

NM_000245.4(MET):c.1242T>A (p.Asp414Glu)

Gene: MET (MET proto-oncogene, receptor tyrosine kinase; plus strand). Cytogenetic location: 7q31.2.
Variant type: single nucleotide variant.
Coding change: c.1242T>A on transcript NM_000245.4 (MANE Select); coding-DNA position 1242, T replaced by A.
Protein change: p.Asp414Glu; replaces aspartic acid 414 with glutamic acid.
Molecular consequence: missense variant. On other transcripts: 5 prime UTR variant (1).
Genome position (GRCh38, 1-based): chr7:116,731,709, T>A. VCF-style: chr7-116731709-T-A. GRCh37 (hg19) VCF-style: chr7-116371763-T-A.
Other names: c.1242T>A, p.Asp414Glu (NM_001127500.3, NM_001324401.3); c.-49T>A (NM_001324402.2); short protein forms D414E.
Identifiers: ClinVar variation 454181 (VCV000454181.17), dbSNP rs1230741853, ClinGen allele CA368972752.

ClinVar aggregate classification (germline): Uncertain significance. Review status: criteria provided, multiple submitters, no conflicts (2 of 4 stars). 3 submissions from 3 submitters: Uncertain significance (3). Last evaluated 2025-11-10.

Conditions:
Renal cell carcinoma. Identifiers: Orphanet 217071, MedGen C0007134, MeSH D002292, MONDO:0005086, HP:0005584.
Hereditary cancer-predisposing syndrome. Also called: Hereditary Cancer Syndrome; Hereditary neoplastic syndrome; Neoplastic Syndromes, Hereditary; Tumor predisposition. Identifiers: Orphanet 140162, MedGen C0027672, MeSH D009386, MONDO:0015356.

Allele frequency attached by ClinVar (database versions not stated): gnomAD exomes below 0.00001; gnomAD 0.00001; TOPMed 0.00001.
gnomAD v4.1: 2 of 1,614,032 alleles (0.00012%); highest among the groups gnomAD compares: Non-Finnish European, 0.00017%; no homozygotes.

Submissions (3):

Labcorp Genetics (formerly Invitae), Labcorp
Classification: Uncertain significance for Renal cell carcinoma. Last evaluated: 2025-11-10. Review status: criteria provided, single submitter. Criteria: Invitae Variant Classification Sherloc (09022015). Collection method: clinical testing. Allele origin: germline.
Comment: This sequence change replaces aspartic acid, which is acidic and polar, with glutamic acid, which is acidic and polar, at codon 414 of the MET protein (p.Asp414Glu). This variant is not present in population databases (gnomAD no frequency). This variant has not been reported in the literature in individuals affected with MET-related conditions. ClinVar contains an entry for this variant (Variation ID: 454181). An algorithm developed to predict the effect of missense changes on protein structure and function (PolyPhen-2) suggests that this variant is likely to be disruptive. In summary, the available evidence is currently insufficient to determine the role of this variant in disease. Therefore, it has been classified as a Variant of Uncertain Significance.

GeneDx
Classification: Uncertain significance. Last evaluated: 2024-10-16. Review status: criteria provided, single submitter. Criteria: GeneDx Variant Classification Process June 2021. Collection method: clinical testing. Allele origin: germline. Affected: yes.
Comment: Not observed at significant frequency in large population cohorts (gnomAD); In silico analysis supports that this missense variant does not alter protein structure/function; Has not been previously published as pathogenic or benign to our knowledge

Ambry Genetics
Classification: Uncertain significance for Hereditary cancer-predisposing syndrome. Last evaluated: 2024-05-17. Review status: criteria provided, single submitter. Criteria: Ambry Variant Classification Scheme 2023. Collection method: clinical testing. Allele origin: germline.
Comment: The p.D414E variant (also known as c.1242T>A), located in coding exon 2 of the MET gene, results from a T to A substitution at nucleotide position 1242. The aspartic acid at codon 414 is replaced by glutamic acid, an amino acid with highly similar properties. This amino acid position is conserved. In addition, this alteration is predicted to be tolerated by in silico analysis. Since supporting evidence is limited at this time, the clinical significance of this alteration remains unclear.